The following is an entry in ClinVar:

NM_001079.4(ZAP70):c.1082+8C>T

Gene: ZAP70 (zeta chain of T cell receptor associated protein kinase 70; plus strand). Cytogenetic location: 2q11.2.
Variant type: single nucleotide variant.
Coding change: c.1082+8C>T on transcript NM_001079.4 (MANE Select); 8 bases into the intron after coding-DNA position 1082, C replaced by T.
Molecular consequence: intron variant.
Genome position (GRCh38, 1-based): chr2:97,734,720, C>T. VCF-style: chr2-97734720-C-T. GRCh37 (hg19) VCF-style: chr2-98351183-C-T.
Other names: p.?; c.1082+8C>T (NM_001378594.1); c.161+8C>T (NM_207519.2).
Identifiers: ClinVar variation 471240 (VCV000471240.41), dbSNP rs55933862, ClinGen allele CA1790351.

ClinVar aggregate classification (germline): Conflicting classifications of pathogenicity. Review status: criteria provided, conflicting classifications (1 of 4 stars). 7 submissions from 7 submitters: Uncertain significance (1); Benign (2); Likely benign (4). Last evaluated 2026-02-01.

Conditions:
Combined immunodeficiency due to ZAP70 deficiency (IMD48). Also called: ZAP70 Deficiency; Immunodeficiency 48. Identifiers: Orphanet 911, MedGen C2931299, MONDO:0010023, OMIM 269840.
Autoimmune disease, multisystem, infantile-onset, 2 (ADMIO2). Identifiers: MedGen C4310768, MONDO:0014861, OMIM 617006.

Allele frequency attached by ClinVar (database versions not stated): 1000 Genomes Project 0.00200; 1000 Genomes Project 30x 0.00234; gnomAD 0.00271; TOPMed 0.00340; ESP Exome Variant Server 0.00292.
gnomAD v4.1: 1,426 of 1,613,078 alleles (0.088%); highest among the groups gnomAD compares: African/African-American, 0.97%; 7 homozygotes.

Submissions (7):

Labcorp Genetics (formerly Invitae), Labcorp
Classification: Benign for Combined immunodeficiency due to ZAP70 deficiency. Last evaluated: 2026-02-01. Review status: criteria provided, single submitter. Criteria: Invitae Variant Classification Sherloc (09022015). Collection method: clinical testing. Allele origin: germline.

Women's Health and Genetics/Laboratory Corporation of America, LabCorp
Classification: Likely benign. Last evaluated: 2026-01-22. Review status: criteria provided, single submitter. Criteria: LabCorp Variant Classification Summary - May 2015. Collection method: clinical testing. Allele origin: germline.

Mayo Clinic Laboratories, Mayo Clinic
Classification: Benign. Last evaluated: 2025-08-13. Review status: criteria provided, single submitter. Criteria: ACMG Guidelines, 2015. Collection method: clinical testing. Allele origin: germline. Observed: 3 variant alleles.
Comment: BS1, BS2, BP4, BP7

Blueprint Genetics
Classification: Likely benign. Last evaluated: 2024-10-22. Review status: criteria provided, single submitter. Criteria: ACMG Guidelines, 2015. Collection method: clinical testing. Allele origin: germline.

CeGaT Center for Human Genetics Tuebingen
Classification: Likely benign. Last evaluated: 2024-02-01. Review status: criteria provided, single submitter. Criteria: CeGaT Center For Human Genetics Tuebingen Variant Classification Criteria Version 2. Collection method: clinical testing. Allele origin: germline. Affected: yes. Observed: 1 variant allele.
Comment: ZAP70: BP4, BS2

Institute of Human Genetics, University of Leipzig Medical Center
Classification: Likely benign for Combined immunodeficiency due to ZAP70 deficiency. Last evaluated: 2019-01-01. Review status: criteria provided, single submitter. Criteria: ACMG Guidelines, 2015. Collection method: clinical testing. Allele origin: unknown. Affected: yes.

Center for Genomics, Ann and Robert H. Lurie Children's Hospital of Chicago
Classification: Uncertain significance for Combined immunodeficiency due to ZAP70 deficiency; Autoimmune disease, multisystem, infantile-onset, 2. Review status: criteria provided, single submitter. Criteria: ACMG Guidelines, 2015. Collection method: clinical testing. Allele origin: germline.
Comment: ZAP70 NM_001079.3 exon 9 c.1082+8C>T: This variant has not been reported in the literature but is present in 0.8% (201/23944) of African alleles, including 1 homozygote, in the Genome Aggregation Database. This variant is present in ClinVar (Variation ID:471240). Evolutionary conservation and computational predictive tools for this variant are limited or unavailable. Although this variant occurs in the splice region, computational prediction tools do not suggest that it may alter splicing. However, further studies are needed to understand its impact. In summary, data on this variant is insufficient for disease classification. Therefore, the clinical significance of this variant is uncertain.